The following is an entry in ClinVar:

NM_001378454.1(ALMS1):c.10110T>G (p.Asp3370Glu)

Gene: ALMS1 (ALMS1 centrosome and basal body associated protein; plus strand). Cytogenetic location: 2p13.1.
Variant type: single nucleotide variant.
Coding change: c.10110T>G on transcript NM_001378454.1 (MANE Select); coding-DNA position 10110, T replaced by G.
Protein change: p.Asp3370Glu; replaces aspartic acid 3370 with glutamic acid.
Molecular consequence: missense variant.
Genome position (GRCh38, 1-based): chr2:73,557,251, T>G. VCF-style: chr2-73557251-T-G. GRCh37 (hg19) VCF-style: chr2-73784378-T-G.
Other names: c.10113T>G, p.Asp3371Glu (NM_015120.4); short protein forms D3370E, D3371E.
Identifiers: ClinVar variation 1729016 (VCV001729016.2), dbSNP rs2466402595, ClinGen allele CA347276280.

ClinVar aggregate classification (germline): Uncertain significance (1 of 4 stars; one submission).

Conditions:
Cardiovascular phenotype. Identifiers: MedGen CN230736.

Submission:

Ambry Genetics
Classification: Uncertain significance for Cardiovascular phenotype. Last evaluated: 2021-06-02. Review status: criteria provided, single submitter. Criteria: Ambry Variant Classification Scheme 2023. Collection method: clinical testing. Allele origin: germline.
Comment: The p.D3371E variant (also known as c.10113T>G), located in coding exon 14 of the ALMS1 gene, results from a T to G substitution at nucleotide position 10113. The aspartic acid at codon 3371 is replaced by glutamic acid, an amino acid with highly similar properties. This amino acid position is well conserved in available vertebrate species. In addition, this alteration is predicted to be tolerated by in silico analysis. Since supporting evidence is limited at this time, the clinical significance of this alteration remains unclear.